The following is an entry in ClinVar:

NM_001369.3(DNAH5):c.5271+1G>T

Gene: DNAH5 (dynein axonemal heavy chain 5; minus strand). Cytogenetic location: 5p15.2.
Variant type: single nucleotide variant.
Coding change: c.5271+1G>T on transcript NM_001369.3 (MANE Select); the canonical splice donor site of the intron after coding-DNA position 5271, G replaced by T.
Molecular consequence: splice donor variant.
Genome position (GRCh38, 1-based): chr5:13,844,836, C>A on the plus strand (G>T on the coding strand, the complement: DNAH5 is on the minus strand). VCF-style: chr5-13844836-C-A. GRCh37 (hg19) VCF-style: chr5-13844945-C-A.
Identifiers: ClinVar variation 2801353 (VCV002801353.3), dbSNP rs1288777017, ClinGen allele CA359213481.

ClinVar aggregate classification (germline): Likely pathogenic (1 of 4 stars; one submission).

Conditions:
Primary ciliary dyskinesia. Also called: Ciliary dyskinesia. Identifiers: Orphanet 244, MedGen C0008780, MONDO:0016575, HP:0012265.

Submission:

Labcorp Genetics (formerly Invitae), Labcorp
Classification: Likely pathogenic for Primary ciliary dyskinesia. Last evaluated: 2023-09-08. Review status: criteria provided, single submitter. Criteria: Invitae Variant Classification Sherloc (09022015). Collection method: clinical testing. Allele origin: germline.
Comment: In summary, the currently available evidence indicates that the variant is pathogenic, but additional data are needed to prove that conclusively. Therefore, this variant has been classified as Likely Pathogenic. Algorithms developed to predict the effect of sequence changes on RNA splicing suggest that this variant may disrupt the consensus splice site. This variant has not been reported in the literature in individuals affected with DNAH5-related conditions. This variant is not present in population databases (gnomAD no frequency). This sequence change affects a donor splice site in intron 32 of the DNAH5 gene. It is expected to disrupt RNA splicing. Variants that disrupt the donor or acceptor splice site typically lead to a loss of protein function (PMID: 16199547), and loss-of-function variants in DNAH5 are known to be pathogenic (PMID: 11788826, 16627867).

Literature cited by the submitters: PubMed 16199547; PubMed 11788826; PubMed 16627867.